The following is an entry in ClinVar:

NM_001457.4(FLNB):c.698del (p.Tyr233fs)

Gene: FLNB (filamin B; plus strand). Cytogenetic location: 3p14.3.
Variant type: Deletion.
Coding change: c.698del on transcript NM_001457.4 (MANE Select); coding-DNA position 698, one base deleted (A; older notation c.698delA).
Protein change: p.Tyr233fs; shifts the reading frame from tyrosine 233.
Molecular consequence: frameshift variant.
Genome position (GRCh38, 1-based): chr3:58,081,687, A deleted. VCF-style (leftmost placement, unchanged base first): chr3-58081686-TA-T. GRCh37 (hg19) VCF-style: chr3-58067413-TA-T.
Other names: c.698del, p.Tyr233fs (NM_001164317.2, NM_001164318.2, NM_001164319.2); short protein forms Y233fs.
Identifiers: ClinVar variation 1705319 (VCV001705319.1), dbSNP rs2471006570, ClinGen allele CA2580070356.

ClinVar aggregate classification (germline): Likely pathogenic (1 of 4 stars; one submission).

Conditions:
Spondylocarpotarsal synostosis syndrome (SCT). Also called: SPONDYLOCARPOTARSAL SYNDROME; VERTEBRAL FUSION WITH CARPAL COALITION; Spondylocarpotarsal Synostosis Syndrome (FLNB-SCT); Synspondylism congenital; Scoliosis, congenital with unilateral unsegmented bar. Identifiers: Orphanet 3275, MedGen C1848934, MONDO:0010094, OMIM 272460.

Submission:

3billion
Classification: Likely pathogenic for Spondylocarpotarsal synostosis syndrome. Last evaluated: 2022-09-01. Review status: criteria provided, single submitter. Criteria: ACMG Guidelines, 2015. Collection method: clinical testing. Allele origin: germline. Affected: yes. Observed: 1 homozygote.
Comment: The variant is not observed in the gnomAD v2.1.1 dataset. Frameshift variant is predicted to result in a loss or disruption of normal protein function through nonsense-mediated decay (NMD) or protein truncation. Multiple pathogenic variants are reported downstream of the variant. Therefore, this variant is classified as Likely pathogenic according to the recommendation of ACMG/AMP guideline.